The following is an entry in ClinVar:

ClinVar aggregate classification (germline): Likely benign (1 of 4 stars; one submission).

Allele frequency attached by ClinVar (database versions not stated): gnomAD exomes below 0.00001.
gnomAD v4.1: 2 of 1,613,994 alleles (0.00012%); highest among the groups gnomAD compares: Non-Finnish European, 0.00017%; no homozygotes.

Submission:

CeGaT Center for Human Genetics Tuebingen
Classification: Likely benign. Last evaluated: 2022-03-01. Review status: criteria provided, single submitter. Criteria: CeGaT Center For Human Genetics Tuebingen Variant Classification Criteria Version 2. Collection method: clinical testing. Allele origin: germline. Affected: yes. Observed: 1 variant allele.
Comment: RIN2: PM2:Supporting, BP4, BP7

NM_018993.4(RIN2):c.771T>G (p.Pro257=)

Gene: RIN2 (Ras and Rab interactor 2; plus strand). Cytogenetic location: 20p11.23.
Variant type: single nucleotide variant.
Coding change: c.771T>G on transcript NM_018993.4 (MANE Select); coding-DNA position 771, T replaced by G.
Protein change: p.Pro257=; no amino-acid change (proline 257 retained).
Molecular consequence: synonymous variant.
Genome position (GRCh38, 1-based): chr20:19,974,796, T>G. VCF-style: chr20-19974796-T-G. GRCh37 (hg19) VCF-style: chr20-19955440-T-G.
Other names: c.918T>G, p.Pro306= (NM_001242581.2); c.153T>G, p.Pro51= (NM_001378238.1).
Identifiers: ClinVar variation 2652226 (VCV002652226.24), dbSNP rs2515505950, ClinGen allele CA510157006.